The following is an entry in ClinVar:

ClinVar aggregate classification (germline): Uncertain significance (1 of 4 stars; one submission).

Conditions:
Fanconi anemia (FA). Also called: Fanconi's anemia. Identifiers: Orphanet 84, MedGen C0015625, MeSH D005199, MONDO:0019391.

Submission:

Labcorp Genetics (formerly Invitae), Labcorp
Classification: Uncertain significance for Fanconi anemia. Last evaluated: 2025-05-11. Review status: criteria provided, single submitter. Criteria: Invitae Variant Classification Sherloc (09022015). Collection method: clinical testing. Allele origin: germline.
Comment: This sequence change falls in intron 7 of the FANCG gene. It does not directly change the encoded amino acid sequence of the FANCG protein. It affects a nucleotide within the consensus splice site. This variant is not present in population databases (gnomAD no frequency). This variant has not been reported in the literature in individuals affected with FANCG-related conditions. Variants that disrupt the consensus splice site are a relatively common cause of aberrant splicing (PMID: 17576681, 9536098). Algorithms developed to predict the effect of sequence changes on RNA splicing suggest that this variant is not likely to affect RNA splicing. In summary, the available evidence is currently insufficient to determine the role of this variant in disease. Therefore, it has been classified as a Variant of Uncertain Significance.

Literature cited by the submitters: PubMed 17576681; PubMed 9536098.

NM_004629.2(FANCG):c.924+6G>T

Gene: FANCG (FA complementation group G; minus strand). Cytogenetic location: 9p13.3.
Variant type: single nucleotide variant.
Coding change: c.924+6G>T on transcript NM_004629.2 (MANE Select); 6 bases into the intron after coding-DNA position 924, G replaced by T.
Molecular consequence: intron variant.
Genome position (GRCh38, 1-based): chr9:35,076,718, C>A on the plus strand (G>T on the coding strand, the complement: FANCG is on the minus strand). VCF-style: chr9-35076718-C-A. GRCh37 (hg19) VCF-style: chr9-35076715-C-A.
Identifiers: ClinVar variation 4719301 (VCV004719301.1).
Genomic context (GRCh38, chr9:35,076,718, plus strand): 5'-CAAGTCACCCCATCACAAGCACCTCAGGAATCCTCCACCCCACATCTTCACCTGGCAGTT[C>A]CCTACCTCAACTAGCAGCTCCAGACTCTCCAGCTCTGCTGTTGTGTCCCCCAGTTGCTGA-3'